The following is an entry in ClinVar:

NM_004153.4(ORC1):c.2050A>C (p.Ser684Arg)

Gene: ORC1 (origin recognition complex subunit 1; minus strand). Cytogenetic location: 1p32.3.
Variant type: single nucleotide variant.
Coding change: c.2050A>C on transcript NM_004153.4 (MANE Select); coding-DNA position 2050, A replaced by C.
Protein change: p.Ser684Arg; replaces serine 684 with arginine.
Molecular consequence: missense variant.
Genome position (GRCh38, 1-based): chr1:52,381,725, T>G on the plus strand (A>C on the coding strand, the complement: ORC1 is on the minus strand). VCF-style: chr1-52381725-T-G. GRCh37 (hg19) VCF-style: chr1-52847397-T-G.
Other names: c.2050A>C, p.Ser684Arg (NM_001190818.2); c.2035A>C, p.Ser679Arg (NM_001190819.2); short protein forms S679R, S684R.
Identifiers: ClinVar variation 4809443 (VCV004809443.1).

ClinVar aggregate classification (germline): Uncertain significance (1 of 4 stars; one submission).

gnomAD v4.1: 16 of 1,613,480 alleles (0.00099%); highest among the groups gnomAD compares: African/African-American, 0.0027%; no homozygotes.

Submission:

Labcorp Genetics (formerly Invitae), Labcorp
Classification: Uncertain significance. Last evaluated: 2025-06-30. Review status: criteria provided, single submitter. Criteria: Invitae Variant Classification Sherloc (09022015). Collection method: clinical testing. Allele origin: germline.
Comment: This sequence change replaces serine, which is neutral and polar, with arginine, which is basic and polar, at codon 684 of the ORC1 protein (p.Ser684Arg). This variant is present in population databases (rs752327175, gnomAD 0.008%). This variant has not been reported in the literature in individuals affected with ORC1-related conditions. Invitae Evidence Modeling of protein sequence and biophysical properties (such as structural, functional, and spatial information, amino acid conservation, physicochemical variation, residue mobility, and thermodynamic stability) indicates that this missense variant is not expected to disrupt ORC1 protein function with a negative predictive value of 80%. In summary, the available evidence is currently insufficient to determine the role of this variant in disease. Therefore, it has been classified as a Variant of Uncertain Significance.